The following is an entry in ClinVar:

NM_206933.4(USH2A):c.5573-837T>C

Genes: USH2A (usherin; minus strand), USH2A-AS2 (USH2A antisense RNA 2; plus strand). Cytogenetic location: 1q41.
Variant type: single nucleotide variant.
Coding change: c.5573-837T>C on transcript NM_206933.4 (MANE Select); 837 bases into the intron before coding-DNA position 5573, T replaced by C.
Molecular consequence: intron variant.
Genome position (GRCh38, 1-based): chr1:216,074,137, A>G on the plus strand (T>C on the coding strand, the complement: USH2A is on the minus strand). VCF-style: chr1-216074137-A-G. GRCh37 (hg19) VCF-style: chr1-216247479-A-G.
Other names: c.5573-837T>C (NM_206933.2).
Identifiers: ClinVar variation 4937742 (VCV004937742.2).
Genomic context (GRCh38, chr1:216,074,137, plus strand): 5'-GCGCAGTACCATTCTGTGAAGTTTAACAGAGAATGCGGATGAAATGAATTTAGAGTATTC[A>G]CCACTTTTTTGTTAGACAGCAAACAAAAAAGGCATCCAGTTAGCCAGGGAATAGCAGTGG-3'

ClinVar aggregate classification (germline): Likely benign. Review status: criteria provided, multiple submitters, no conflicts (2 of 4 stars). 2 submissions from 2 submitters: Likely benign (2). Last evaluated 2024-12-04.

Conditions:
USH2A-related disorder. Also called: USH2A-related disorders; USH2A-related condition. Identifiers: MedGen CN239332.

gnomAD v4.1: 156 of 152,336 alleles (0.1%); highest among the groups gnomAD compares: African/African-American, 0.34%; 1 homozygote.

Submissions (2):

PreventionGenetics, part of Exact Sciences
Classification: Likely benign for USH2A-related condition. Last evaluated: 2024-12-04. Review status: criteria provided, single submitter. Criteria: ACMG Guidelines, 2015. Collection method: clinical testing. Allele origin: germline.
Comment: This variant is classified as likely benign based on ACMG/AMP sequence variant interpretation guidelines (Richards et al. 2015 PMID: 25741868, with internal and published modifications).

Blueprint Genetics
Classification: Likely benign. Last evaluated: 2024-05-17. Review status: criteria provided, single submitter. Criteria: ACMG Guidelines, 2015. Collection method: clinical testing. Allele origin: germline.